The following is an entry in ClinVar:

ClinVar aggregate classification (germline): Pathogenic (1 of 4 stars; one submission).

Submission:

Quest Diagnostics Nichols Institute San Juan Capistrano
Classification: Pathogenic. Last evaluated: 2025-04-01. Review status: criteria provided, single submitter. Criteria: Quest Diagnostics criteria. Collection method: clinical testing. Allele origin: unknown.
Comment: A deletion of exon 9 (c.1066_1235) in the ATM gene is predicted to disrupt the translation reading frame of the ATM mRNA and result in the premature termination of ATM protein synthesis. In the published literature, a similar deletion of exon 9 in the ATM gene has been reported in an individual with pancreatic cancer (PMID: 32255556 (2020)). This variant has not been reported in large, multi-ethnic general populations (Genome Aggregation Database). Based on the available information, this variant is classified as pathogenic.

Single allele

Gene: ATM (ATM serine/threonine kinase; plus strand). Cytogenetic location: 11q22.3.
Variant type: Deletion.
Identifiers: ClinVar variation 4533176 (VCV004533176.1).